The following is an entry in ClinVar:

NM_203446.3(SYNJ1):c.614C>T (p.Ser205Leu)

Gene: SYNJ1 (synaptojanin 1; minus strand). Cytogenetic location: 21q22.11.
Variant type: single nucleotide variant.
Coding change: c.614C>T on transcript NM_203446.3 (MANE Select); coding-DNA position 614, C replaced by T.
Protein change: p.Ser205Leu; replaces serine 205 with leucine.
Molecular consequence: missense variant.
Genome position (GRCh38, 1-based): chr21:32,695,148, G>A on the plus strand (C>T on the coding strand, the complement: SYNJ1 is on the minus strand). VCF-style: chr21-32695148-G-A. GRCh37 (hg19) VCF-style: chr21-34067458-G-A.
Other names: c.614C>T, p.Ser205Leu (NM_001160302.2, NM_001160306.2); c.731C>T, p.Ser244Leu (NM_003895.4); short protein forms S244L, S205L.
Identifiers: ClinVar variation 1395177 (VCV001395177.3), dbSNP rs747414228, ClinGen allele CA10004097.

ClinVar aggregate classification (germline): Uncertain significance (1 of 4 stars; one submission).

Conditions:
Developmental and epileptic encephalopathy, 53. Also called: Epileptic encephalopathy, early infantile, 53. Identifiers: MedGen C4479313, MONDO:0033362, OMIM 617389.
Early-onset Parkinson disease 20. Also called: PARKINSON DISEASE 20, AUTOSOMAL RECESSIVE EARLY-ONSET. Identifiers: Orphanet 391411, MedGen C3809824, MONDO:0014233, OMIM 615530.

Allele frequency attached by ClinVar (database versions not stated): TOPMed below 0.00001; gnomAD 0.00001; gnomAD exomes 0.00001 and 0.00003; ExAC 0.00002.
gnomAD v4.1: 13 of 1,613,964 alleles (0.00081%); 1 homozygote.

Submission:

Labcorp Genetics (formerly Invitae), Labcorp
Classification: Uncertain significance for Developmental and epileptic encephalopathy, 53; Early-onset Parkinson disease 20. Last evaluated: 2021-08-26. Review status: criteria provided, single submitter. Criteria: Invitae Variant Classification Sherloc (09022015). Collection method: clinical testing. Allele origin: germline.
Comment: This sequence change replaces serine with leucine at codon 244 of the SYNJ1 protein (p.Ser244Leu). The serine residue is highly conserved and there is a large physicochemical difference between serine and leucine. This variant is present in population databases (rs747414228, ExAC 0.003%). This variant has not been reported in the literature in individuals affected with SYNJ1-related conditions. Algorithms developed to predict the effect of missense changes on protein structure and function (SIFT, PolyPhen-2, Align-GVGD) all suggest that this variant is likely to be disruptive. In summary, the available evidence is currently insufficient to determine the role of this variant in disease. Therefore, it has been classified as a Variant of Uncertain Significance.